The following is an entry in ClinVar:

ClinVar aggregate classification (germline): Uncertain significance (1 of 4 stars; one submission).

Conditions:
Neuropathy, hereditary sensory and autonomic, type 1C. Also called: HSAN IC; HSN IC. Identifiers: Orphanet 36386, MedGen C3150896, MONDO:0013337, OMIM 613640.

Submission:

Labcorp Genetics (formerly Invitae), Labcorp
Classification: Uncertain significance for Neuropathy, hereditary sensory and autonomic, type 1C. Last evaluated: 2024-08-12. Review status: criteria provided, single submitter. Criteria: Invitae Variant Classification Sherloc (09022015). Collection method: clinical testing. Allele origin: germline.
Comment: This variant, c.28_30dup, results in the insertion of 1 amino acid(s) of the SPTLC2 protein (p.Cys10dup), but otherwise preserves the integrity of the reading frame. This variant is present in population databases (no rsID available, gnomAD 0.004%). This variant has not been reported in the literature in individuals affected with SPTLC2-related conditions. In summary, the available evidence is currently insufficient to determine the role of this variant in disease. Therefore, it has been classified as a Variant of Uncertain Significance.

NM_004863.4(SPTLC2):c.22TGC[4] (p.Cys10_Arg11insCys)

Gene: SPTLC2 (serine palmitoyltransferase long chain base subunit 2; minus strand). Cytogenetic location: 14q24.3.
Variant type: Microsatellite.
Coding change: c.22TGC[4] on transcript NM_004863.4 (MANE Select); four copies in a row of the 3-base unit TGC starting at c.22; the reference has three copies in a row; one copy, 3 bases duplicated.
Protein change: p.Cys10_Arg11insCys.
Genome position (GRCh38, 1-based): chr14:77,616,550-77,616,552, GCA duplicated on the plus strand (TGC on the coding strand, the reverse complement: SPTLC2 is on the minus strand); duplicating any 3 consecutive bases within chr14:77,616,550-77,616,560 gives the same sequence; the position shown is the placement nearest the transcript's 3' end. VCF-style (leftmost placement, unchanged base first): chr14-77616549-G-GGCA. GRCh37 (hg19) VCF-style: chr14-78082892-G-GGCA.
Identifiers: ClinVar variation 3726954 (VCV003726954.2).